The following is an entry in ClinVar:

ClinVar aggregate classification (germline): Benign/Likely benign. Review status: criteria provided, multiple submitters, no conflicts (2 of 4 stars). 2 submissions from 2 submitters: Benign (1); Likely benign (1). Last evaluated 2026-06-24.

Conditions:
Retinoblastoma (RB1). Also called: RETINOBLASTOMA, SOMATIC. Identifiers: Orphanet 790, MedGen C0035335, MeSH D012175, MONDO:0008380, OMIM 180200, HP:0009919. Disease mechanism: loss of function. Inheritance: Both sporadic and heritable forms are tested..
Hereditary cancer-predisposing syndrome. Also called: Neoplastic Syndromes, Hereditary; Tumor predisposition; Hereditary Cancer Syndrome; Hereditary neoplastic syndrome. Identifiers: Orphanet 140162, MedGen C0027672, MeSH D009386, MONDO:0015356.

Submissions (2):

Myriad Genetics, Inc.
Classification: Benign for Retinoblastoma. Last evaluated: 2026-06-24. Review status: criteria provided, single submitter. Criteria: Myriad Autosomal Dominant, Autosomal Recessive and X-Linked Classification Criteria (2023). Collection method: clinical testing. Allele origin: unknown.
Comment: This variant is considered benign. This variant is a silent/synonymous amino acid change and it is not expected to impact splicing.

Ambry Genetics
Classification: Likely benign for Hereditary cancer-predisposing syndrome. Last evaluated: 2024-09-30. Review status: criteria provided, single submitter. Criteria: Ambry Variant Classification Scheme 2023. Collection method: clinical testing. Allele origin: germline.

NM_000321.3(RB1):c.1104A>G (p.Val368=)

Gene: RB1 (RB transcriptional corepressor 1; plus strand). Cytogenetic location: 13q14.2.
Variant type: single nucleotide variant.
Coding change: c.1104A>G on transcript NM_000321.3 (MANE Select); coding-DNA position 1104, A replaced by G.
Protein change: p.Val368=; no amino-acid change (valine 368 retained).
Molecular consequence: synonymous variant.
Genome position (GRCh38, 1-based): chr13:48,368,581, A>G. VCF-style: chr13-48368581-A-G. GRCh37 (hg19) VCF-style: chr13-48942717-A-G.
Other names: c.1104A>G, p.Val368= (NM_001407165.1, NM_001407166.1).
Identifiers: ClinVar variation 3430896 (VCV003430896.2).
Genomic context (GRCh38, chr13:48,368,581, plus strand): 5'-ATTTAGTTTTGAAACACAGAGAACACCACGAAAAAGTAACCTTGATGAAGAGGTGAATGT[A>G]ATTCCTCCACACACTCCAGTTAGGTATGAATTTTCCTACTTTTAATTATATTATAATTTT-3'
Protein context (NP_000312.2, residues 358-378): RKSNLDEEVN[Val368=]IPPHTPVRTV